The following is an entry in ClinVar:

NM_000548.5(TSC2):c.94G>C (p.Glu32Gln)

Gene: TSC2 (TSC complex subunit 2; plus strand). Cytogenetic location: 16p13.3.
Variant type: single nucleotide variant.
Coding change: c.94G>C on transcript NM_000548.5 (MANE Select); coding-DNA position 94, G replaced by C.
Protein change: p.Glu32Gln; replaces glutamic acid 32 with glutamine.
Molecular consequence: missense variant. On other transcripts: 5 prime UTR variant (1), intron variant (1).
Genome position (GRCh38, 1-based): chr16:2,048,709, G>C. VCF-style: chr16-2048709-G-C. GRCh37 (hg19) VCF-style: chr16-2098710-G-C.
Other names: c.94G>C, p.Glu32Gln (NM_001077183.3, NM_001114382.3, NM_001318827.2 and 13 more transcripts); c.-133G>C (NM_001318831.2, NM_001406682.1, NM_001406684.1 and 2 more transcripts); c.127G>C, p.Glu43Gln (NM_001318832.2); c.-723G>C (NM_001406680.1, NM_001406683.1, NM_001406687.1); c.-352G>C (NM_001406681.1); c.-1338G>C (NM_001406689.1, NM_001406690.1, NM_001406691.1 and 2 more transcripts); c.-1644G>C (NM_001406693.1); c.-1219G>C (NM_001406694.1, NM_001406695.1); and 3 more; short protein forms E32Q, E43Q.
Identifiers: ClinVar variation 1767178 (VCV001767178.4), dbSNP rs2084679567, ClinGen allele CA394301416.

ClinVar aggregate classification (germline): Uncertain significance. Review status: criteria provided, multiple submitters, no conflicts (2 of 4 stars). 2 submissions from 2 submitters: Uncertain significance (2). Last evaluated 2025-01-17.

Conditions:
Hereditary cancer-predisposing syndrome. Also called: Neoplastic Syndromes, Hereditary; Tumor predisposition; Hereditary neoplastic syndrome; Hereditary Cancer Syndrome. Identifiers: Orphanet 140162, MedGen C0027672, MeSH D009386, MONDO:0015356.
Tuberous sclerosis syndrome (TSC). Also called: Tuberous Sclerosis Complex; Tuberous sclerosis. Identifiers: Orphanet 805, MedGen C0041341, MONDO:0001734.

Submissions (2):

Ambry Genetics
Classification: Uncertain significance for Hereditary cancer-predisposing syndrome. Last evaluated: 2025-01-17. Review status: criteria provided, single submitter. Criteria: Ambry Variant Classification Scheme 2023. Collection method: clinical testing. Allele origin: germline.
Comment: The p.E32Q variant (also known as c.94G>C), located in coding exon 1 of the TSC2 gene, results from a G to C substitution at nucleotide position 94. The glutamic acid at codon 32 is replaced by glutamine, an amino acid with highly similar properties. This amino acid position is well conserved in available vertebrate species. In addition, the in silico prediction for this alteration is inconclusive. Based on the available evidence, the clinical significance of this variant remains unclear.

All of Us Research Program, National Institutes of Health
Classification: Uncertain significance for Tuberous sclerosis syndrome. Last evaluated: 2024-08-13. Review status: criteria provided, single submitter. Criteria: ACMG Guidelines, 2015. Collection method: clinical testing. Allele origin: germline. Inheritance: Autosomal dominant inheritance. Observed: 1 variant allele, 1 heterozygote.
Comment: This missense variant replaces glutamic acid with glutamine at codon 32 of the TSC2 protein. Computational prediction suggests that this variant may not impact protein structure and function (internally defined REVEL score threshold <= 0.5, PMID: 27666373). To our knowledge, functional studies have not been reported for this variant. This variant has not been reported in individuals affected with TSC2-related disorders in the literature. This variant has not been identified in the general population by the Genome Aggregation Database (gnomAD). The available evidence is insufficient to determine the role of this variant in disease conclusively. Therefore, this variant is classified as a Variant of Uncertain Significance.

This study involves interpretation of variants in research participants for the purpose of population health screening. Participant phenotype was not available at the time of variant classification. Additional details can be found in publication PMID: 35346344, PMCID: PMC8962531